The following is an entry in ClinVar:

ClinVar aggregate classification (germline): Uncertain significance. Review status: criteria provided, multiple submitters, no conflicts (2 of 4 stars). 4 submissions from 4 submitters: Uncertain significance (4). Last evaluated 2025-10-23.

Conditions:
POLD1-related polyposis and colorectal cancer syndrome (CRCS10). Also called: Colorectal cancer 10; COLORECTAL CANCER, SUSCEPTIBILITY TO, ON CHROMOSOME 19q; Colorectal cancer, susceptibility to, 10. Identifiers: Orphanet 220460, MedGen C2675481, MONDO:0012953, OMIM 612591.
Hereditary cancer-predisposing syndrome. Also called: Tumor predisposition; Neoplastic Syndromes, Hereditary; Hereditary Cancer Syndrome; Hereditary neoplastic syndrome. Identifiers: Orphanet 140162, MedGen C0027672, MeSH D009386, MONDO:0015356.

Allele frequency attached by ClinVar (database versions not stated): gnomAD exomes below 0.00001.
gnomAD v4.1: 3 of 1,604,172 alleles (0.00019%); highest among the groups gnomAD compares: Non-Finnish European, 0.00017%; no homozygotes.

Submissions (4):

Labcorp Genetics (formerly Invitae), Labcorp
Classification: Uncertain significance for POLD1-related polyposis and colorectal cancer syndrome. Last evaluated: 2025-10-23. Review status: criteria provided, single submitter. Criteria: Invitae Variant Classification Sherloc (09022015). Collection method: clinical testing. Allele origin: germline.
Comment: This sequence change replaces arginine, which is basic and polar, with cysteine, which is neutral and slightly polar, at codon 505 of the POLD1 protein (p.Arg505Cys). This variant is present in population databases (no rsID available, gnomAD 0.006%). This variant has not been reported in the literature in individuals affected with POLD1-related conditions. ClinVar contains an entry for this variant (Variation ID: 566583). Invitae Evidence Modeling of protein sequence and biophysical properties (such as structural, functional, and spatial information, amino acid conservation, physicochemical variation, residue mobility, and thermodynamic stability) indicates that this missense variant is expected to disrupt POLD1 protein function with a positive predictive value of 80%. In summary, the available evidence is currently insufficient to determine the role of this variant in disease. Therefore, it has been classified as a Variant of Uncertain Significance.

GeneDx
Classification: Uncertain significance. Last evaluated: 2024-01-16. Review status: criteria provided, single submitter. Criteria: GeneDx Variant Classification Process June 2021. Collection method: clinical testing. Allele origin: germline. Affected: yes.
Comment: Not observed at significant frequency in large population cohorts (gnomAD); In silico analysis supports that this missense variant has a deleterious effect on protein structure/function; Has not been previously published as pathogenic or benign to our knowledge; This variant is associated with the following publications: (PMID: 20951805)

Ambry Genetics
Classification: Uncertain significance for Hereditary cancer-predisposing syndrome. Last evaluated: 2023-02-16. Review status: criteria provided, single submitter. Criteria: Ambry Variant Classification Scheme 2023. Collection method: clinical testing. Allele origin: germline.
Comment: The p.R505C variant (also known as c.1513C>T), located in coding exon 12 of the POLD1 gene, results from a C to T substitution at nucleotide position 1513. The arginine at codon 505 is replaced by cysteine, an amino acid with highly dissimilar properties. This amino acid position is highly conserved in available vertebrate species. In addition, the in silico prediction for this alteration is inconclusive. Since supporting evidence is limited at this time, the clinical significance of this alteration remains unclear.

Sema4
Classification: Uncertain significance for Hereditary cancer-predisposing syndrome. Last evaluated: 2022-02-23. Review status: criteria provided, single submitter. Criteria: Sema4 Curation Guidelines. Collection method: curation. Allele origin: germline.
Comment: The POLD1 c.1513C>T (p.R505C) variant has not been reported in the literature to our knowledge. It was observed in 1/18212 chromosomes of the East Asian (EAS) subpopulation in the large and broad cohorts of the Genome Aggregation Database (PMID: 32461654). This variant has been reported in ClinVar (Variation ID: 566583). Functional studies have not been performed, and in silico predictions of the variant's effect on protein function are inconclusive. The evidence is insufficient to meet ACMG/AMP criteria for classifying the variant as benign or pathogenic. Thus, the clinical significance of this variant is currently uncertain.

NM_002691.4(POLD1):c.1513C>T (p.Arg505Cys)

Gene: POLD1 (DNA polymerase delta 1, catalytic subunit; plus strand). Cytogenetic location: 19q13.33.
Variant type: single nucleotide variant.
Coding change: c.1513C>T on transcript NM_002691.4 (MANE Select); coding-DNA position 1513, C replaced by T.
Protein change: p.Arg505Cys; replaces arginine 505 with cysteine.
Molecular consequence: missense variant. On other transcripts: non-coding transcript variant (1).
Genome position (GRCh38, 1-based): chr19:50,407,001, C>T. VCF-style: chr19-50407001-C-T. GRCh37 (hg19) VCF-style: chr19-50910258-C-T.
Other names: c.1513C>T, p.Arg505Cys (NM_001256849.1, NM_001308632.1); short protein forms R505C.
Identifiers: ClinVar variation 566583 (VCV000566583.15), dbSNP rs1271321739, ClinGen allele CA406980783.